The following is an entry in ClinVar:

NM_000494.4(COL17A1):c.2722C>G (p.Pro908Ala)

Gene: COL17A1 (collagen type XVII alpha 1 chain; minus strand). Cytogenetic location: 10q25.1.
Variant type: single nucleotide variant.
Coding change: c.2722C>G on transcript NM_000494.4 (MANE Select); coding-DNA position 2722, C replaced by G.
Protein change: p.Pro908Ala; replaces proline 908 with alanine.
Molecular consequence: missense variant.
Genome position (GRCh38, 1-based): chr10:104,040,390, G>C on the plus strand (C>G on the coding strand, the complement: COL17A1 is on the minus strand). VCF-style: chr10-104040390-G-C. GRCh37 (hg19) VCF-style: chr10-105800148-G-C.
Other names: short protein forms P908A.
Identifiers: ClinVar variation 878243 (VCV000878243.8), dbSNP rs147785714, ClinGen allele CA5678295.

ClinVar aggregate classification (germline): Uncertain significance. Review status: criteria provided, multiple submitters, no conflicts (2 of 4 stars). 4 submissions from 4 submitters: Uncertain significance (4). Last evaluated 2025-12-24.

Conditions:
Junctional epidermolysis bullosa, non-Herlitz type. Also called: EPIDERMOLYSIS BULLOSA JUNCTIONALIS, DISENTIS TYPE; EPIDERMOLYSIS BULLOSA JUNCTIONALIS, NON-HERLITZ TYPE; EPIDERMOLYSIS BULLOSA JUNCTIONALIS, PROGRESSIVE; EPIDERMOLYSIS BULLOSA JUNCTIONALIS, SEVERE NONLETHAL; Epidermolysis bullosa, junctional, non-herlitz type, somatic mosaic revertant; COL17A1-Related Junctional Epidermolysis Bullosa. Identifiers: Orphanet 251393, Orphanet 79402, Orphanet 79405, Orphanet 89840, MedGen C0268374, MONDO:0009180, OMIM 226650.
Inborn genetic diseases. Identifiers: MedGen C0950123, MeSH D030342.

Allele frequency attached by ClinVar (database versions not stated): TOPMed 0.00040; gnomAD 0.00045 and 0.00047; 1000 Genomes Project 30x 0.00047; ExAC 0.00023; gnomAD exomes 0.00030; 1000 Genomes Project 0.00040; ESP Exome Variant Server 0.00069.
gnomAD v4.1: 881 of 1,611,446 alleles (0.055%); highest among the groups gnomAD compares: Non-Finnish European, 0.07%; 1 homozygote.

Submissions (4):

Labcorp Genetics (formerly Invitae), Labcorp
Classification: Uncertain significance. Last evaluated: 2025-12-24. Review status: criteria provided, single submitter. Criteria: Invitae Variant Classification Sherloc (09022015). Collection method: clinical testing. Allele origin: germline.
Comment: This sequence change replaces proline, which is neutral and non-polar, with alanine, which is neutral and non-polar, at codon 908 of the COL17A1 protein (p.Pro908Ala). This variant is present in population databases (rs147785714, gnomAD 0.06%). This variant has not been reported in the literature in individuals affected with COL17A1-related conditions. ClinVar contains an entry for this variant (Variation ID: 878243). Invitae Evidence Modeling of protein sequence and biophysical properties (such as structural, functional, and spatial information, amino acid conservation, physicochemical variation, residue mobility, and thermodynamic stability) has been performed for this missense variant. However, the output from this modeling did not meet the statistical confidence thresholds required to predict the impact of this variant on COL17A1 protein function. In summary, the available evidence is currently insufficient to determine the role of this variant in disease. Therefore, it has been classified as a Variant of Uncertain Significance.

GeneDx
Classification: Uncertain significance. Last evaluated: 2023-12-11. Review status: criteria provided, single submitter. Criteria: GeneDx Variant Classification Process June 2021. Collection method: clinical testing. Allele origin: germline. Affected: yes.
Comment: Has not been previously published as pathogenic or benign to our knowledge; In silico analysis supports that this missense variant has a deleterious effect on protein structure/function; Located in the Y position of the canonical Gly-X-Y repeat within the triple helical region

Ambry Genetics
Classification: Uncertain significance for Inborn genetic diseases. Last evaluated: 2021-07-06. Review status: criteria provided, single submitter. Criteria: Ambry Variant Classification Scheme 2023. Collection method: clinical testing. Allele origin: germline.

Illumina Laboratory Services, Illumina
Classification: Uncertain significance for Junctional epidermolysis bullosa, non-Herlitz type. Last evaluated: 2018-01-12. Review status: criteria provided, single submitter. Criteria: ICSL Variant Classification Criteria 13 December 2019. Collection method: clinical testing. Allele origin: germline.